The following is an entry in ClinVar:

ClinVar aggregate classification (germline): Uncertain significance. Review status: criteria provided, multiple submitters, no conflicts (2 of 4 stars). 12 submissions from 12 submitters: Uncertain significance (11). 1 of the submissions does not count toward it. Last evaluated 2026-10-08.

Conditions:
Alport syndrome. Also called: Hemorrhagic familial nephritis; Hemorrhagic hereditary nephritis; Congenital hereditary hematuria. Identifiers: Orphanet 63, MedGen C1567741, MONDO:0018965.
Autosomal dominant Alport syndrome (ATS3A). Also called: Alport syndrome dominant type; Renal failure and sensorineural hearing loss; ALPORT SYNDROME 3A, AUTOSOMAL DOMINANT. Identifiers: Orphanet 63, Orphanet 88918, MedGen C5882663, MONDO:0007086, OMIM 104200.
Chronic kidney disease. Identifiers: MedGen C1561643, MONDO:0005300, HP:0012622.
COL4A3-related disorder. Also called: COL4A3-related condition; COL4A3-Related Disorders.
Alport syndrome 3b, autosomal recessive. Identifiers: MedGen C5882699, MONDO:0957811, OMIM 620536.
Inborn genetic diseases. Identifiers: MedGen C0950123, MeSH D030342.
Autosomal recessive Alport syndrome (ATS2). Also called: COL4A3-Related Nephropathy; COL4A4 Alport Syndrome and Thin Basement Membrane Nephropathy; ALPORT SYNDROME 2, AUTOSOMAL RECESSIVE; Alport syndrome type 2. Identifiers: Orphanet 63, Orphanet 88919, MedGen C4746745, MONDO:0008762, OMIM 203780.
Benign familial hematuria. Also called: thin basement membrane disease. Identifiers: MedGen C0241908, MONDO:0957317.

Allele frequency attached by ClinVar (database versions not stated): gnomAD 0.00003; TOPMed 0.00008.

Submissions (12):

GeneDx
Classification: Uncertain significance. Last evaluated: 2026-10-08. Review status: criteria provided, single submitter. Criteria: GeneDx Variant Classification Process June 2021. Collection method: clinical testing. Allele origin: germline.
Comment: In silico analysis supports that this missense variant has a deleterious effect on protein structure/function; This variant is associated with the following publications: (PMID: 37248651, 27391953, Yu2019[abstract], 32723786)

PreventionGenetics, part of Exact Sciences
Classification: Uncertain significance for COL4A3-related condition. Last evaluated: 2026-08-07. Review status: criteria provided, single submitter. Criteria: ACMG Guidelines, 2015. Collection method: clinical testing. Allele origin: germline.
Comment: The COL4A3 c.4700T>G variant is predicted to result in the amino acid substitution p.Ile1567Ser. This variant was reported in an individual with arteriosclerosis and in a patient kidney disease, although in both cases pathogenicity was not established (Benson et al. 2020. PubMed ID: 32723786; Table S1, Chen et al. 2023. PubMed ID: 37248651). This variant is reported in 0.056% of alleles in individuals of East Asian descent in gnomAD. Although we suspect that this variant may be benign, at this time, the clinical significance of this variant is uncertain due to the absence of conclusive functional and genetic evidence.

Women's Health and Genetics/Laboratory Corporation of America, LabCorp
Classification: Uncertain significance. Last evaluated: 2026-02-23. Review status: criteria provided, single submitter. Criteria: LabCorp Variant Classification Summary - May 2015. Collection method: clinical testing. Allele origin: germline.
Comment: Variant summary: COL4A3 c.4700T>G (p.Ile1567Ser) results in a non-conservative amino acid change in the encoded protein sequence. Algorithms developed to predict the effect of missense changes on protein structure and function all suggest that this variant is likely to be disruptive. The variant allele was found at a frequency of 4.8e-05 in 249518 control chromosomes. This frequency is not significantly higher than estimated for disease-causing variants in COL4A3, allowing no conclusion about variant significance. c.4700T>G has been observed in individuals affected with Alport Syndrome or Arteriosclerosis (Benson_2020, Chen_2023). These reports do not provide unequivocal conclusions about association of the variant with Alport Syndrome, Autosomal Recessive. To our knowledge, no experimental evidence demonstrating an impact on protein function has been reported. The following publications have been ascertained in the context of this evaluation (PMID: 32723786, 37248651). ClinVar contains an entry for this variant (Variation ID: 829912). Based on the evidence outlined above, the variant was classified as uncertain significance.

Ambry Genetics
Classification: Uncertain significance for Inborn genetic diseases. Last evaluated: 2024-10-09. Review status: criteria provided, single submitter. Criteria: Ambry Variant Classification Scheme 2023. Collection method: clinical testing. Allele origin: germline.

Labcorp Genetics (formerly Invitae), Labcorp
Classification: Uncertain significance. Last evaluated: 2024-08-23. Review status: criteria provided, single submitter. Criteria: Invitae Variant Classification Sherloc (09022015). Collection method: clinical testing. Allele origin: germline.
Comment: This sequence change replaces isoleucine, which is neutral and non-polar, with serine, which is neutral and polar, at codon 1567 of the COL4A3 protein (p.Ile1567Ser). This variant is present in population databases (rs371452712, gnomAD 0.05%). This missense change has been observed in individual(s) with chronic kidney disease (PMID: 32723786, 37248651). ClinVar contains an entry for this variant (Variation ID: 829912). Invitae Evidence Modeling of protein sequence and biophysical properties (such as structural, functional, and spatial information, amino acid conservation, physicochemical variation, residue mobility, and thermodynamic stability) indicates that this missense variant is expected to disrupt COL4A3 protein function with a positive predictive value of 95%. In summary, the available evidence is currently insufficient to determine the role of this variant in disease. Therefore, it has been classified as a Variant of Uncertain Significance.

Blueprint Genetics
Classification: Uncertain significance. Last evaluated: 2024-08-02. Review status: criteria provided, single submitter. Criteria: ACMG Guidelines, 2015. Collection method: clinical testing. Allele origin: germline.

3billion
Classification: Uncertain significance for Alport syndrome 3b, autosomal recessive. Last evaluated: 2024-06-22. Review status: criteria provided, single submitter. Criteria: ACMG Guidelines, 2015. Collection method: clinical testing. Allele origin: germline. Affected: yes.
Comment: The variant is observed at an extremely low frequency in the gnomAD v4.0.0 dataset (total allele frequency: 0.003%). Predicted Consequence/Location: Missense variant In silico tool predictions suggest damaging effect of the variant on gene or gene product [REVEL: 0.61 (>=0.6, sensitivity 0.68 and specificity 0.92); 3Cnet: 0.91 (>=0.6, sensitivity 0.72 and precision 0.9)]. The variant has been reported as of uncertain significance (ClinVar ID: VCV000829912; PMID: 32723786). Therefore, this variant is classified as VUS according to the recommendation of ACMG/AMP guideline.

Fulgent Genetics
Classification: Uncertain significance for Autosomal dominant Alport syndrome; Hematuria, benign familial, 1; Autosomal recessive Alport syndrome. Last evaluated: 2022-04-17. Review status: criteria provided, single submitter. Criteria: ACMG Guidelines, 2015. Collection method: clinical testing. Allele origin: unknown.

Department of Pathology and Laboratory Medicine, Sinai Health System
Classification: Uncertain significance for Alport syndrome. Last evaluated: 2021-12-07. Review status: criteria provided, single submitter. Criteria: ACMG Guidelines, 2015. Collection method: research. Allele origin: germline.

Cavalleri Lab, Royal College of Surgeons in Ireland
Classification: Uncertain significance for Chronic kidney disease. Last evaluated: 2020-05-28. Review status: criteria provided, single submitter. Criteria: ACMG Guidelines, 2015. Collection method: research. Allele origin: unknown. Inheritance: Autosomal dominant inheritance. Affected: yes.
Comment: PP3

Illumina Laboratory Services, Illumina
Classification: Uncertain significance for Alport syndrome. Last evaluated: 2017-04-27. Review status: criteria provided, single submitter. Criteria: ICSL Variant Classification Criteria 13 December 2019. Collection method: clinical testing. Allele origin: germline.
Comment: This variant was observed as part of a predisposition screen in an ostensibly healthy population. A literature search was performed for the gene, cDNA change, and amino acid change (where applicable). Publications were found based on this search. However, the evidence from the literature, in combination with allele frequency data from public databases where available, was not sufficient to rule this variant in or out of causing disease. Therefore, this variant is classified as a variant of unknown significance.

Bioscientia Institut fuer Medizinische Diagnostik GmbH, Sonic Healthcare
Classification: Uncertain significance for Autosomal dominant Alport syndrome. Last evaluated: 2019-10-23. Review status: no assertion criteria provided. Collection method: clinical testing. Allele origin: germline. Affected: yes. Not counted in ClinVar's aggregate classification.

Literature cited by the submitters: PubMed 32723786 (cited by 3 submitters); PubMed 37248651 (cited by Women's Health and Genetics/Laboratory Corporation of America, LabCorp and Labcorp Genetics (formerly Invitae), Labcorp); PubMed 27391953 (cited by Illumina Laboratory Services, Illumina).

NM_000091.5(COL4A3):c.4700T>G (p.Ile1567Ser)

Genes: COL4A3 (collagen type IV alpha 3 chain; plus strand), MFF-DT (MFF divergent transcript; minus strand). Cytogenetic location: 2q36.3.
Variant type: single nucleotide variant.
Coding change: c.4700T>G on transcript NM_000091.5 (MANE Select); coding-DNA position 4700, T replaced by G.
Protein change: p.Ile1567Ser; replaces isoleucine 1567 with serine.
Molecular consequence: missense variant.
Genome position (GRCh38, 1-based): chr2:227,309,263, T>G. VCF-style: chr2-227309263-T-G. GRCh37 (hg19) VCF-style: chr2-228173979-T-G.
Other names: short protein forms I1567S.
Identifiers: ClinVar variation 829912 (VCV000829912.24), dbSNP rs371452712, ClinGen allele CA2147613.
Genomic context (GRCh38, chr2:227,309,263, plus strand): 5'-GATGCACTGTTTGTGAAGGTCCTGCGATCGCCATAGCCGTTCACAGCCAAACCACTGACA[T>G]TCCTCCATGTCCTCACGGCTGGATTTCTCTCTGGAAAGGATTTTCATTCATCATGGTGAG-3'
Protein context (NP_000082.2, residues 1557-1577): AIAVHSQTTD[Ile1567Ser]PPCPHGWISL